The following is an entry in ClinVar:

ClinVar aggregate classification (germline): Conflicting classifications of pathogenicity. Review status: criteria provided, conflicting classifications (1 of 4 stars). 2 submissions from 2 submitters: Uncertain significance (1); Likely benign (1). Last evaluated 2017-04-04.

Conditions:
Neonatal insulin-dependent diabetes mellitus. Identifiers: MedGen C3278636, HP:0000857.

Submissions (2):

Genetic Services Laboratory, University of Chicago
Classification: Uncertain significance. Last evaluated: 2017-04-04. Review status: criteria provided, single submitter. Criteria: ACMG Guidelines, 2015. Collection method: clinical testing. Allele origin: germline. Affected: no.

Clinical Genomics, Uppaluri K&H Personalized Medicine Clinic
Classification: Likely benign for Neonatal insulin-dependent diabetes mellitus. Review status: criteria provided, single submitter. Criteria: K & H Uppaluri Personalized Medicine Clinic Variant Classification & Assertion Criteria_Updated V.1. Collection method: research. Allele origin: unknown.
Comment: Mutations in INS gene can cause early onset diabetes mellitus which is insulin dependent. May have poor response to sulfonylureas, as this mutation can cause beta cell destruction. However no sufficient evidence is found to ascertain the role of this particular variant rs1554920552, yet.

Literature cited by the submitters: PubMed 11921414 (cited by Clinical Genomics, Uppaluri K&H Personalized Medicine Clinic); PubMed 25542748 (cited by Clinical Genomics, Uppaluri K&H Personalized Medicine Clinic); PubMed 26101329 (cited by Clinical Genomics, Uppaluri K&H Personalized Medicine Clinic); PubMed 18171712 (cited by Clinical Genomics, Uppaluri K&H Personalized Medicine Clinic).

NM_000207.3(INS):c.320ACT[1] (p.Tyr108del)

Genes: INS (insulin; minus strand), INS-IGF2 (INS-IGF2 readthrough; minus strand). Cytogenetic location: 11p15.5.
Variant type: Microsatellite.
Coding change: c.320ACT[1] on transcript NM_000207.3 (MANE Select); one copy of the 3-base unit ACT starting at c.320; the reference has two copies in a row; one copy, 3 bases deleted.
Protein change: p.Tyr108del; deletes tyrosine 108.
Molecular consequence: inframe deletion. On other transcripts: intron variant (1).
Genome position (GRCh38, 1-based): chr11:2,159,860-2,159,862, AGT deleted on the plus strand (ACT on the coding strand, the reverse complement: INS is on the minus strand); deleting any 3 consecutive bases within chr11:2,159,860-2,159,865 gives the same sequence; the position shown is the placement nearest the transcript's 3' end. VCF-style (leftmost placement, unchanged base first): chr11-2159859-CAGT-C. GRCh37 (hg19) VCF-style: chr11-2181089-CAGT-C.
Other names: c.320ACT[1], p.Tyr108del (NM_001185097.2, NM_001185098.2, NM_001291897.2); c.187+923_187+925del (NM_001042376.3); short protein forms Y108del.
Identifiers: ClinVar variation 435510 (VCV000435510.7), dbSNP rs1554920552, ClinGen allele CA645372891.